The following is an entry in ClinVar:

NM_001123385.2(BCOR):c.524_527del (p.Lys175fs)

Genes: BCOR (BCL6 corepressor; minus strand), LOC126863239 (MED14-independent group 3 enhancer GRCh37_chrX:39932994-39934193; plus strand). Cytogenetic location: Xp11.4.
Variant type: Deletion.
Coding change: c.524_527del on transcript NM_001123385.2 (MANE Select); coding-DNA positions 524 to 527, 4 bases deleted (AACA; older notation c.524_527delAACA).
Protein change: p.Lys175fs; shifts the reading frame from lysine 175.
Molecular consequence: frameshift variant.
Genome position (GRCh38, 1-based): chrX:40,074,819-40,074,822, TGTT deleted on the plus strand (AACA on the coding strand, the reverse complement: BCOR is on the minus strand); deleting any 4 consecutive bases within chrX:40,074,819-40,074,825 gives the same sequence; the c. name uses the placement nearest the transcript's 3' end. VCF-style (leftmost placement, unchanged base first): chrX-40074818-CTGTT-C. GRCh37 (hg19) VCF-style: chrX-39934071-CTGTT-C.
Other names: c.521_524delACAA, p.Lys175Argfs (NM_001123383.2); c.524_527del, p.Lys175fs (NM_001123384.2, NM_017745.6); short protein forms K175fs.
Identifiers: ClinVar variation 524141 (VCV000524141.2), dbSNP rs1555919843, ClinGen allele CA645602886.

ClinVar aggregate classification (germline): Pathogenic (1 of 4 stars; one submission).

Submission:

GeneDx
Classification: Pathogenic. Last evaluated: 2018-04-30. Review status: criteria provided, single submitter. Criteria: GeneDx Variant Classification (06012015). Collection method: clinical testing. Allele origin: germline. Affected: yes.
Comment: The c.524_527delAACA variant in the BCOR gene has not been reported previously as a pathogenic variant nor as a benign variant, to our knowledge. The c.524_527delAACA variant causes a frameshift starting with codon Lysine 175, changes this amino acid to an Arginine residue, and creates a premature Stop codon at position 40 of the new reading frame, denoted p.Lys175ArgfsX40. This variant is predicted to cause loss of normal protein function either through protein truncation or nonsense-mediated mRNA decay. The c.524_527delAACA variant is not observed in large population cohorts (Lek et al., 2016). We interpret c.524_527delAACA as a pathogenic variant.